The following is an entry in ClinVar:

ClinVar aggregate classification (germline): Uncertain significance (1 of 4 stars; one submission).

Allele frequency attached by ClinVar (database versions not stated): ExAC 0.00002; TOPMed 0.00002; gnomAD 0.00003.
gnomAD v4.1: 30 of 1,610,226 alleles (0.0019%); highest among the groups gnomAD compares: African/African-American, 0.0027%; no homozygotes.

Submission:

Labcorp Genetics (formerly Invitae), Labcorp
Classification: Uncertain significance. Last evaluated: 2024-12-08. Review status: criteria provided, single submitter. Criteria: Invitae Variant Classification Sherloc (09022015). Collection method: clinical testing. Allele origin: germline.
Comment: This sequence change replaces alanine, which is neutral and non-polar, with valine, which is neutral and non-polar, at codon 162 of the KL protein (p.Ala162Val). The frequency data for this variant in the population databases is considered unreliable, as metrics indicate poor data quality at this position in the gnomAD database. This variant has not been reported in the literature in individuals affected with KL-related conditions. ClinVar contains an entry for this variant (Variation ID: 2896079). Invitae Evidence Modeling of protein sequence and biophysical properties (such as structural, functional, and spatial information, amino acid conservation, physicochemical variation, residue mobility, and thermodynamic stability) indicates that this missense variant is not expected to disrupt KL protein function with a negative predictive value of 80%. In summary, the available evidence is currently insufficient to determine the role of this variant in disease. Therefore, it has been classified as a Variant of Uncertain Significance.

NM_004795.4(KL):c.485C>T (p.Ala162Val)

Gene: KL (klotho; plus strand). Cytogenetic location: 13q13.1.
Variant type: single nucleotide variant.
Coding change: c.485C>T on transcript NM_004795.4 (MANE Select); coding-DNA position 485, C replaced by T.
Protein change: p.Ala162Val; replaces alanine 162 with valine.
Molecular consequence: missense variant.
Genome position (GRCh38, 1-based): chr13:33,016,925, C>T. VCF-style: chr13-33016925-C-T. GRCh37 (hg19) VCF-style: chr13-33591063-C-T.
Other names: short protein forms A162V.
Identifiers: ClinVar variation 2896079 (VCV002896079.3), dbSNP rs757212668, ClinGen allele CA6943901.